The following is an entry in ClinVar:

NM_000501.4(ELN):c.800-1G>A

Gene: ELN (elastin; plus strand). Cytogenetic location: 7q11.23.
Variant type: single nucleotide variant.
Coding change: c.800-1G>A on transcript NM_000501.4 (MANE Select); the canonical splice acceptor site of the intron before coding-DNA position 800, G replaced by A.
Molecular consequence: splice acceptor variant.
Genome position (GRCh38, 1-based): chr7:74,051,749, G>A. VCF-style: chr7-74051749-G-A. GRCh37 (hg19) VCF-style: chr7-73466079-G-A.
Other names: c.815-1G>A (NM_001081754.3, NM_001081753.3); c.800-1G>A (NM_001278939.2, NM_001278915.2, NM_001278912.2 and 3 more transcripts); c.758-1G>A (NM_001278916.2); c.692-1G>A (NM_001278913.2); c.785-1G>A (NM_001278914.2); c.770-1G>A (NM_001278917.2, NM_001081752.3); c.668-1G>A (NM_001278918.2).
Identifiers: ClinVar variation 1254893 (VCV001254893.7), dbSNP rs2131847938, ClinGen allele CA367870916.

ClinVar aggregate classification (germline): Pathogenic/Likely pathogenic. Review status: criteria provided, multiple submitters, no conflicts (2 of 4 stars). 3 submissions from 3 submitters: Pathogenic (2); Likely pathogenic (1). Last evaluated 2024-08-06.

Conditions:
ELN-related disorder.
Cutis laxa, autosomal dominant 1 (ADCL1). Also called: ELN-Related Cutis Laxa. Identifiers: Orphanet 90348, MedGen C3276539, MONDO:0007411, OMIM 123700. Disease mechanism: Dominant Negative.
Supravalvar aortic stenosis (SVAS). Also called: Supravalvar aortic stenosis, Eisenberg type. Identifiers: Orphanet 3193, MedGen C0003499, MONDO:0008504, OMIM 185500, HP:0004381.

Submissions (3):

GeneDx
Classification: Pathogenic. Last evaluated: 2024-08-06. Review status: criteria provided, single submitter. Criteria: GeneDx Variant Classification Process June 2021. Collection method: clinical testing. Allele origin: germline. Affected: yes.
Comment: Canonical splice site variant predicted to result in an in-frame loss of the adjacent exon in a gene for which loss of function is a known mechanism of disease; Not observed at significant frequency in large population cohorts (gnomAD); Has not been previously published as pathogenic or benign to our knowledge

Fulgent Genetics
Classification: Likely pathogenic for Cutis laxa, autosomal dominant 1; Supravalvar aortic stenosis. Last evaluated: 2024-02-13. Review status: criteria provided, single submitter. Criteria: ACMG Guidelines, 2015. Collection method: clinical testing. Allele origin: germline.

PreventionGenetics, part of Exact Sciences
Classification: Pathogenic for ELN-related condition. Last evaluated: 2023-08-13. Review status: criteria provided, single submitter. Criteria: ACMG Guidelines, 2015. Collection method: clinical testing. Allele origin: germline.
Comment: The ELN c.800-1G>A variant is predicted to disrupt the AG splice acceptor site and interfere with normal splicing. To our knowledge, this variant has not been reported in the literature or in a large population database, indicating this variant is rare. Variants that disrupt the consensus splice acceptor site in ELN are expected to be pathogenic and other variants affecting this splice site (c.800-2A>G, c.800-1G>T) have been reported as pathogenic (IVS15-2A>G in Li et al. 1997. PubMed ID: 9215670; Hu et al. 2020. PubMed ID: 32595695). This variant is interpreted as pathogenic.